The following is an entry in ClinVar:

NM_007294.4(BRCA1):c.2747A>T (p.Asn916Ile)

Gene: BRCA1 (BRCA1 DNA repair associated; minus strand). Cytogenetic location: 17q21.31.
Variant type: single nucleotide variant.
Coding change: c.2747A>T on transcript NM_007294.4 (MANE Select); coding-DNA position 2747, A replaced by T.
Protein change: p.Asn916Ile; replaces asparagine 916 with isoleucine.
Molecular consequence: missense variant. On other transcripts: intron variant (137).
Genome position (GRCh38, 1-based): chr17:43,092,784, T>A on the plus strand (A>T on the coding strand, the complement: BRCA1 is on the minus strand). VCF-style: chr17-43092784-T-A. GRCh37 (hg19) VCF-style: chr17-41244801-T-A.
Other names: c.2534A>T, p.Asn845Ile (NM_001407571.1, NM_001407853.1, NM_001407894.1 and 9 more transcripts); c.2747A>T, p.Asn916Ile (NM_001407581.1, NM_001407582.1, NM_001407583.1 and 30 more transcripts); c.2744A>T, p.Asn915Ile (NM_001407587.1, NM_001407590.1, NM_001407591.1 and 22 more transcripts); c.2738A>T, p.Asn913Ile (NM_001407646.1, NM_001407647.1); c.2666A>T, p.Asn889Ile (NM_001407659.1, NM_001407660.1, NM_001407661.1 and 1 more transcripts); c.2669A>T, p.Asn890Ile (NM_001407663.1, NM_001407653.1, NM_001407654.1 and 4 more transcripts); c.2624A>T, p.Asn875Ile (NM_001407664.1, NM_001407665.1, NM_001407666.1 and 19 more transcripts); c.2621A>T, p.Asn874Ile (NM_001407685.1, NM_001407686.1, NM_001407940.1 and 11 more transcripts); and 41 more; short protein forms N916I, N869I, N620I, N804I, N848I, N846I, N875I, N889I.
Identifiers: ClinVar variation 220573 (VCV000220573.24), dbSNP rs864622588, ClinGen allele CA349629.

ClinVar aggregate classification (germline): Conflicting classifications of pathogenicity. Review status: criteria provided, conflicting classifications (1 of 4 stars). 6 submissions from 6 submitters: Uncertain significance (4); Likely benign (1). 1 of the submissions does not count toward it. Last evaluated 2025-11-23.

Conditions:
Hereditary breast ovarian cancer syndrome. Also called: Breast and ovarian cancer; Hereditary breast and ovarian cancer; Hereditary breast and ovarian cancer syndrome; Hereditary breast and/or ovarian cancer syndrome; BRCA1- and BRCA2-Associated Hereditary Breast and Ovarian Cancer; Hereditary breast and ovarian cancer syndrome (HBOC). Identifiers: Orphanet 145, MedGen C0677776, MeSH D061325, MONDO:0003582. Disease mechanism: loss of function.
Breast-ovarian cancer, familial, susceptibility to, 1 (BROVCA1). Also called: BRCA1 Hereditary Breast and Ovarian Cancer; OVARIAN CANCER, SUSCEPTIBILITY TO. Identifiers: Orphanet 145, MedGen C2676676, MONDO:0011450, OMIM 604370. Disease mechanism: loss of function.
Hereditary cancer-predisposing syndrome. Also called: Tumor predisposition; Hereditary Cancer Syndrome; Neoplastic Syndromes, Hereditary; Hereditary neoplastic syndrome. Identifiers: Orphanet 140162, MedGen C0027672, MeSH D009386, MONDO:0015356.

Allele frequency attached by ClinVar (database versions not stated): gnomAD exomes below 0.00001; gnomAD 0.00001 and 0.00002; TOPMed 0.00002.
gnomAD v4.1: 5 of 1,613,926 alleles (0.00031%); highest among the groups gnomAD compares: Non-Finnish European, 0.00042%; no homozygotes.

Submissions (6):

Labcorp Genetics (formerly Invitae), Labcorp
Classification: Uncertain significance for Hereditary breast ovarian cancer syndrome. Last evaluated: 2025-11-23. Review status: criteria provided, single submitter. Criteria: Invitae Variant Classification Sherloc (09022015). Collection method: clinical testing. Allele origin: germline.
Comment: This sequence change replaces asparagine, which is neutral and polar, with isoleucine, which is neutral and non-polar, at codon 916 of the BRCA1 protein (p.Asn916Ile). This variant is not present in population databases (gnomAD no frequency). This variant has not been reported in the literature in individuals affected with BRCA1-related conditions. ClinVar contains an entry for this variant (Variation ID: 220573). Invitae Evidence Modeling of protein sequence and biophysical properties (such as structural, functional, and spatial information, amino acid conservation, physicochemical variation, residue mobility, and thermodynamic stability) indicates that this missense variant is not expected to disrupt BRCA1 protein function with a negative predictive value of 80%. In summary, the available evidence is currently insufficient to determine the role of this variant in disease. Therefore, it has been classified as a Variant of Uncertain Significance.

Ambry Genetics
Classification: Uncertain significance for Hereditary cancer-predisposing syndrome. Last evaluated: 2025-11-05. Review status: criteria provided, single submitter. Criteria: Ambry Variant Classification Scheme 2023. Collection method: clinical testing. Allele origin: germline.
Comment: The p.N916I variant (also known as c.2747A>T), located in coding exon 9 of the BRCA1 gene, results from an A to T substitution at nucleotide position 2747. The asparagine at codon 916 is replaced by isoleucine, an amino acid with dissimilar properties. This amino acid position is poorly conserved in available vertebrate species. In addition, the in silico prediction for this alteration is inconclusive. Since supporting evidence is limited at this time, the clinical significance of this alteration remains unclear.

Color Diagnostics, LLC DBA Color Health
Classification: Uncertain significance for Hereditary cancer-predisposing syndrome. Last evaluated: 2024-08-07. Review status: criteria provided, single submitter. Criteria: ACMG Guidelines, 2015. Collection method: clinical testing. Allele origin: germline.
Comment: This missense variant replaces asparagine with isoleucine at codon 916 of the BRCA1 protein. Computational prediction suggests that this variant may not impact protein structure and function. To our knowledge, functional studies have not been reported for this variant. This variant has not been reported in individuals affected with hereditary cancer in the literature. This variant has not been identified in the general population by the Genome Aggregation Database (gnomAD). The available evidence is insufficient to determine the role of this variant in disease conclusively. Therefore, this variant is classified as a Variant of Uncertain Significance.

University of Washington Department of Laboratory Medicine, University of Washington
Classification: Likely benign for Hereditary cancer-predisposing syndrome. Last evaluated: 2023-03-23. Review status: criteria provided, single submitter. Criteria: Dines et al. (Genet Med. 2020). Collection method: curation. Allele origin: germline.
Comment: Missense variant in a coldspot region where missense variants are very unlikely to be pathogenic (PMID:31911673).

BRCA1 coldspot (exon 11 using historical exon numbering). Reclassification based on statistical prior probability

GeneDx
Classification: Uncertain significance. Last evaluated: 2020-02-24. Review status: criteria provided, single submitter. Criteria: GeneDx Variant Classification Process June 2021. Collection method: clinical testing. Allele origin: germline. Affected: yes.
Comment: Not observed in large population cohorts (Lek 2016); In silico analysis supports that this missense variant has a deleterious effect on protein structure/function; Has not been previously published as pathogenic or benign to our knowledge

Counsyl
Classification: Uncertain significance for Breast-ovarian cancer, familial, susceptibility to, 1. Last evaluated: 2016-09-19. Review status: no assertion criteria provided. Collection method: clinical testing. Allele origin: unknown. Not counted in ClinVar's aggregate classification.